The following is an entry in ClinVar:

NM_004092.4(ECHS1):c.619+176T>C

Gene: ECHS1 (enoyl-CoA hydratase, short chain 1; minus strand). Cytogenetic location: 10q26.3.
Variant type: single nucleotide variant.
Coding change: c.619+176T>C on transcript NM_004092.4 (MANE Select); 176 bases into the intron after coding-DNA position 619, T replaced by C.
Molecular consequence: intron variant.
Genome position (GRCh38, 1-based): chr10:133,366,713, A>G on the plus strand (T>C on the coding strand, the complement: ECHS1 is on the minus strand). VCF-style: chr10-133366713-A-G. GRCh37 (hg19) VCF-style: chr10-135180217-A-G.
Identifiers: ClinVar variation 673160 (VCV000673160.1), dbSNP rs80036458, ClinGen allele CA216816069.

ClinVar aggregate classification (germline): Benign (1 of 4 stars; one submission).

Allele frequency attached by ClinVar (database versions not stated): gnomAD 0.02210 and 0.02376; 1000 Genomes Project 30x 0.02717; 1000 Genomes Project 0.03554; TOPMed 0.03711.
gnomAD v4.1: 2,989 of 136,796 alleles (2.2%); highest among the groups gnomAD compares: African/African-American, 8.3%; 116 homozygotes.

Submission:

GeneDx
Classification: Benign. Last evaluated: 2018-06-14. Review status: criteria provided, single submitter. Criteria: GeneDx Variant Classification (06012015). Collection method: clinical testing. Allele origin: germline. Affected: yes.
Comment: This variant is considered likely benign or benign based on one or more of the following criteria: it is a conservative change, it occurs at a poorly conserved position in the protein, it is predicted to be benign by multiple in silico algorithms, and/or has population frequency not consistent with disease.